The following is an entry in ClinVar:

NM_001267550.2(TTN):c.81168T>C (p.Ser27056=)

Genes: TTN (titin; minus strand), TTN-AS1 (TTN antisense RNA 1; plus strand). Cytogenetic location: 2q31.2.
Variant type: single nucleotide variant.
Coding change: c.81168T>C on transcript NM_001267550.2 (MANE Select); coding-DNA position 81168, T replaced by C.
Protein change: p.Ser27056=; no amino-acid change (serine 27056 retained).
Molecular consequence: synonymous variant.
Genome position (GRCh38, 1-based): chr2:178,564,964, A>G on the plus strand (T>C on the coding strand, the complement: TTN is on the minus strand). VCF-style: chr2-178564964-A-G. GRCh37 (hg19) VCF-style: chr2-179429691-A-G.
Other names: c.76245T>C, p.Ser25415= (NM_001256850.1); c.53973T>C, p.Ser17991= (NM_003319.4); c.73464T>C, p.Ser24488= (NM_133378.4); c.54348T>C, p.Ser18116= (NM_133432.3); c.54549T>C, p.Ser18183= (NM_133437.4).
Identifiers: ClinVar variation 668471 (VCV000668471.40), dbSNP rs767101518, ClinGen allele CA1989243.

ClinVar aggregate classification (germline): Likely benign. Review status: criteria provided, multiple submitters, no conflicts (2 of 4 stars). 8 submissions from 8 submitters: Likely benign (7). 1 of the submissions does not count toward it. Last evaluated 2025-09-27.

Conditions:
Cardiovascular phenotype. Identifiers: MedGen CN230736.
Tibial muscular dystrophy (TMD). Also called: UDD MYOPATHY; Tibial muscular dystrophy, tardive; Udd Distal Myopathy – Tibial Muscular Dystrophy. Identifiers: Orphanet 609, MedGen C1838244, MONDO:0010870, OMIM 600334.
Myopathy, myofibrillar, 9, with early respiratory failure (MFM9). Also called: MYOPATHY, PROXIMAL, WITH EARLY RESPIRATORY MUSCLE INVOLVEMENT; Hereditary myopathy with early respiratory failure; Myopathy, distal, with early respiratory failure, autosomal dominant; EDSTROM MYOPATHY. Identifiers: Orphanet 178464, Orphanet 34521, MedGen C1863599, MONDO:0011362, OMIM 603689.
Hypertrophic cardiomyopathy 9. Also called: Familial hypertrophic cardiomyopathy 9. Identifiers: MedGen C1861065, MONDO:0013412, OMIM 613765.
Early-onset myopathy with fatal cardiomyopathy (CMYO5). Also called: CONGENITAL MYOPATHY 5 WITH CARDIOMYOPATHY; Salih Myopathy. Identifiers: Orphanet 289377, MedGen C2673677, MONDO:0012714, OMIM 611705. Disease mechanism: loss of function.
Dilated cardiomyopathy 1G (CMD1G). Identifiers: Orphanet 154, MedGen C1858763, MONDO:0011400, OMIM 604145.
Autosomal recessive limb-girdle muscular dystrophy type 2J (LGMDR10). Also called: Limb-girdle muscular dystrophy, type 2J; MUSCULAR DYSTROPHY, LIMB-GIRDLE, AUTOSOMAL RECESSIVE 10. Identifiers: Orphanet 140922, MedGen C1837342, MONDO:0012127, OMIM 608807.
TTN-related disorder. Also called: TTN-related condition; TTN-related disease; TTN-related disorders.
Cardiomyopathy (CMYO). Also called: Cardiomyopathies. Identifiers: Orphanet 167848, MedGen C0878544, MONDO:0004994, HP:0001638. Inheritance: Various modes of inheritance.

Allele frequency attached by ClinVar (database versions not stated): gnomAD 0.00001; ExAC 0.00002; TOPMed 0.00002; gnomAD exomes 0.00003.
gnomAD v4.1: 126 of 1,612,094 alleles (0.0078%); highest among the groups gnomAD compares: Non-Finnish European, 0.011%; no homozygotes.

Submissions (8):

Labcorp Genetics (formerly Invitae), Labcorp
Classification: Likely benign for Dilated cardiomyopathy 1G; Autosomal recessive limb-girdle muscular dystrophy type 2J. Last evaluated: 2025-09-27. Review status: criteria provided, single submitter. Criteria: Invitae Variant Classification Sherloc (09022015). Collection method: clinical testing. Allele origin: germline.

Blueprint Genetics
Classification: Likely benign. Last evaluated: 2024-08-28. Review status: criteria provided, single submitter. Criteria: ACMG Guidelines, 2015. Collection method: clinical testing. Allele origin: germline.

CeGaT Center for Human Genetics Tuebingen
Classification: Likely benign. Last evaluated: 2024-01-01. Review status: criteria provided, single submitter. Criteria: CeGaT Center For Human Genetics Tuebingen Variant Classification Criteria Version 2. Collection method: clinical testing. Allele origin: germline. Affected: yes. Observed: 1 variant allele.
Comment: TTN: BP4, BP7

Fulgent Genetics
Classification: Likely benign for Tibial muscular dystrophy; Myopathy, myofibrillar, 9, with early respiratory failure; Dilated cardiomyopathy 1G; Autosomal recessive limb-girdle muscular dystrophy type 2J; Early-onset myopathy with fatal cardiomyopathy; Hypertrophic cardiomyopathy 9. Last evaluated: 2021-10-28. Review status: criteria provided, single submitter. Criteria: ACMG Guidelines, 2015. Collection method: clinical testing. Allele origin: unknown.

CHEO Genetics Diagnostic Laboratory, Children's Hospital of Eastern Ontario
Classification: Likely benign for Cardiomyopathy. Last evaluated: 2021-09-24. Review status: criteria provided, single submitter. Criteria: ACMG Guidelines, 2015. Collection method: clinical testing. Allele origin: germline.

Ambry Genetics
Classification: Likely benign for Cardiovascular phenotype. Last evaluated: 2019-09-09. Review status: criteria provided, single submitter. Criteria: Ambry Variant Classification Scheme 2023. Collection method: clinical testing. Allele origin: germline.

GeneDx
Classification: Likely benign. Last evaluated: 2019-08-12. Review status: criteria provided, single submitter. Criteria: GeneDx Variant Classification Process June 2021. Collection method: clinical testing. Allele origin: germline. Affected: yes.

PreventionGenetics, part of Exact Sciences
Classification: Likely benign for TTN-related condition. Last evaluated: 2019-03-05. Review status: no assertion criteria provided. Collection method: clinical testing. Allele origin: germline. Not counted in ClinVar's aggregate classification.
Comment: This variant is classified as likely benign based on ACMG/AMP sequence variant interpretation guidelines (Richards et al. 2015 PMID: 25741868, with internal and published modifications).